The following is an entry in ClinVar:

ClinVar aggregate classification (germline): Benign. Review status: criteria provided, multiple submitters, no conflicts (2 of 4 stars). 4 submissions from 2 submitters: Benign (4). Last evaluated 2018-01-12.

Conditions:
Familial multiple trichoepitheliomata. Also called: Familial multiple trichoepithelioma. Identifiers: Orphanet 79493, Orphanet 867, MedGen C1275122, MONDO:0011114.
Brooke-Spiegler syndrome. Also called: CYLD Cutaneous Syndrome. Identifiers: Orphanet 79493, MedGen C1857941, MONDO:0011512, OMIM 605041.
Familial cylindromatosis. Also called: Turban tumor syndrome; ANCELL-SPIEGLER CYLINDROMAS. Identifiers: Orphanet 211, Orphanet 79493, MedGen C1851526, MONDO:0007565, OMIM 132700.

Allele frequency attached by ClinVar (database versions not stated): gnomAD 0.05808 and 0.06417; TOPMed 0.05818; 1000 Genomes Project 30x 0.07620; 1000 Genomes Project 0.07808; gnomAD exomes 0.08337.
gnomAD v4.1: 16,564 of 233,384 alleles (7.1%); highest among the groups gnomAD compares: South Asian, 23%; 765 homozygotes.

Submissions (4):

Illumina Laboratory Services, Illumina
Classification: Benign for Familial cylindromatosis. Last evaluated: 2018-01-12. Review status: criteria provided, single submitter. Criteria: ICSL Variant Classification Criteria 13 December 2019. Collection method: clinical testing. Allele origin: germline.
Comment: This variant was observed in the ICSL laboratory as part of a predisposition screen in an ostensibly healthy population. It had not been previously curated by ICSL or reported in the Human Gene Mutation Database (HGMD: prior to June 1st, 2018), and was therefore a candidate for classification through an automated scoring system. Utilizing variant allele frequency, disease prevalence and penetrance estimates, and inheritance mode, an automated score was calculated to assess if this variant is too frequent to cause the disease. Based on the score and internal cut-off values, a variant classified as benign is not then subjected to further curation. The score for this variant resulted in a classification of benign for this disease.

Illumina Laboratory Services, Illumina
Classification: Benign for Trichoepithelioma, multiple familial, 1. Last evaluated: 2018-01-12. Review status: criteria provided, single submitter. Criteria: ICSL Variant Classification Criteria 13 December 2019. Collection method: clinical testing. Allele origin: germline.
Comment: the same text as in the submission from Illumina Laboratory Services, Illumina above.

Illumina Laboratory Services, Illumina
Classification: Benign for Brooke-Spiegler syndrome. Last evaluated: 2018-01-12. Review status: criteria provided, single submitter. Criteria: ICSL Variant Classification Criteria 13 December 2019. Collection method: clinical testing. Allele origin: germline.
Comment: the same text as in the submission from Illumina Laboratory Services, Illumina above.

Breakthrough Genomics
Classification: Benign. Review status: criteria provided, single submitter. Criteria: ACMG Guidelines, 2015. Collection method: not provided. Allele origin: germline. Inheritance: Autosomal dominant inheritance. Affected: yes.

NM_001378743.1(CYLD):c.*4561G>A

Genes: CYLD-AS2 (CYLD antisense RNA 2; minus strand), CYLD (CYLD lysine 63 deubiquitinase; plus strand). Cytogenetic location: 16q12.1.
Variant type: single nucleotide variant.
Coding change: c.*4561G>A on transcript NM_001378743.1 (MANE Select); 4561 bases downstream of the stop codon, G replaced by A.
Molecular consequence: 3 prime UTR variant. On other transcripts: non-coding transcript variant (1).
Genome position (GRCh38, 1-based): chr16:50,801,069, G>A. VCF-style: chr16-50801069-G-A. GRCh37 (hg19) VCF-style: chr16-50834980-G-A.
Other names: c.*4561G>A (NM_001042355.2, NM_001042412.3, NM_001378744.1 and 12 more transcripts).
Identifiers: ClinVar variation 319564 (VCV000319564.6), dbSNP rs17314948, ClinGen allele CA10643747.